The following is an entry in ClinVar:

ClinVar aggregate classification (germline): Uncertain significance (1 of 4 stars; one submission).

gnomAD v4.1: 1 of 1,613,454 alleles (0.000062%); highest among the groups gnomAD compares: Middle Eastern, 0.017%; no homozygotes.

Submission:

Labcorp Genetics (formerly Invitae), Labcorp
Classification: Uncertain significance. Last evaluated: 2022-11-10. Review status: criteria provided, single submitter. Criteria: Invitae Variant Classification Sherloc (09022015). Collection method: clinical testing. Allele origin: germline.
Comment: This sequence change replaces glycine, which is neutral and non-polar, with arginine, which is basic and polar, at codon 257 of the CERKL protein (p.Gly257Arg). This variant is not present in population databases (gnomAD no frequency). This variant has not been reported in the literature in individuals affected with CERKL-related conditions. Advanced modeling of protein sequence and biophysical properties (such as structural, functional, and spatial information, amino acid conservation, physicochemical variation, residue mobility, and thermodynamic stability) performed at Invitae indicates that this missense variant is expected to disrupt CERKL protein function. In summary, the available evidence is currently insufficient to determine the role of this variant in disease. Therefore, it has been classified as a Variant of Uncertain Significance.

NM_201548.5(CERKL):c.691G>C (p.Gly231Arg)

Gene: CERKL (CERK like autophagy regulator; minus strand). Cytogenetic location: 2q31.3.
Variant type: single nucleotide variant.
Coding change: c.691G>C on transcript NM_201548.5 (MANE Select); coding-DNA position 691, G replaced by C.
Protein change: p.Gly231Arg; replaces glycine 231 with arginine.
Molecular consequence: missense variant. On other transcripts: non-coding transcript variant (2), intron variant (2).
Genome position (GRCh38, 1-based): chr2:181,558,695, C>G on the plus strand (G>C on the coding strand, the complement: CERKL is on the minus strand). VCF-style: chr2-181558695-C-G. GRCh37 (hg19) VCF-style: chr2-182423422-C-G.
Other names: c.769G>C, p.Gly257Arg (NM_001030311.3); c.495G>C, p.Leu165Phe (NM_001030314.1); c.627G>C, p.Leu209Phe (NM_001030315.1); c.637G>C, p.Gly213Arg (NM_001160277.2); c.482-8987G>C (NM_001030312.3); c.614-8987G>C (NM_001030313.3); short protein forms G257R, G231R, G213R, L165F, L209F.
Identifiers: ClinVar variation 2813457 (VCV002813457.3), dbSNP rs2468318171, ClinGen allele CA349741090.
Genomic context (GRCh38, chr2:181,558,695, plus strand): 5'-CATTCTTCTGAGCTCTCAGAAGCAAAGCATGGGCTACTTCGCTAGCAGATCCATCTCCAC[C>G]AACACAGACAACACTAGAAAAATACAAATCAAGCAAAGAAGGCAAAACTTCAGAATGATT-3'
Protein context (NP_963842.1, residues 221-241): LQGFDGVVCV[Gly231Arg]GDGSASEVAH